The following is an entry in ClinVar:

NM_005896.4(IDH1):c.432T>G (p.Phe144Leu)

Gene: IDH1 (isocitrate dehydrogenase (NADP(+)) 1; minus strand). Cytogenetic location: 2q34.
Variant type: single nucleotide variant.
Coding change: c.432T>G on transcript NM_005896.4 (MANE Select); coding-DNA position 432, T replaced by G.
Protein change: p.Phe144Leu; replaces phenylalanine 144 with leucine.
Molecular consequence: missense variant.
Genome position (GRCh38, 1-based): chr2:208,245,407, A>C on the plus strand (T>G on the coding strand, the complement: IDH1 is on the minus strand). VCF-style: chr2-208245407-A-C. GRCh37 (hg19) VCF-style: chr2-209110131-A-C.
Other names: c.432T>G, p.Phe144Leu (NM_001282386.1, NM_001282387.1); short protein forms F144L.
Identifiers: ClinVar variation 2491949 (VCV002491949.2), dbSNP rs2124857592, ClinGen allele CA350100466.
Genomic context (GRCh38, chr2:208,245,407, plus strand): 5'-CTTTTGGGTTCCGTCACTTGGTGTGTAGGTTATCTCTACTTTTCCAGGCCCAGGAACAAC[A>C]AAATCAGTTGCTCTGTACTGTGTAGAGGGGAAAAAGGTATAAAGAAAAAAAAAATACCCT-3'
Protein context (NP_005887.2, residues 134-154): AYGDQYRATD[Phe144Leu]VVPGPGKVEI

ClinVar aggregate classification (germline): Uncertain significance (1 of 4 stars; one submission).

Submission:

Ambry Genetics
Classification: Uncertain significance. Last evaluated: 2023-02-24. Review status: criteria provided, single submitter. Criteria: Ambry Variant Classification Scheme 2023. Collection method: clinical testing. Allele origin: germline.
Comment: The p.F144L variant (also known as c.432T>G), located in coding exon 3 of the IDH1 gene, results from a T to G substitution at nucleotide position 432. The phenylalanine at codon 144 is replaced by leucine, an amino acid with highly similar properties. This amino acid position is conserved. In addition, the in silico prediction for this alteration is inconclusive. Since supporting evidence is limited at this time, the clinical significance of this alteration remains unclear.